The following is an entry in ClinVar:

ClinVar aggregate classification (germline): Pathogenic. Review status: criteria provided, multiple submitters, no conflicts (2 of 4 stars). 2 submissions from 2 submitters: Pathogenic (2). Last evaluated 2025-07-15.

Allele frequency attached by ClinVar (database versions not stated): gnomAD exomes below 0.00001; gnomAD 0.00001; 1000 Genomes Project 30x 0.00031; 1000 Genomes Project 0.00020.
gnomAD v4.1: 2 of 1,584,636 alleles (0.00013%); highest among the groups gnomAD compares: African/African-American, 0.0027%; no homozygotes.

Submissions (2):

Dasa
Classification: Pathogenic. Last evaluated: 2025-07-15. Review status: criteria provided, single submitter. Criteria: DASA Assertion Criteria. Collection method: clinical testing. Allele origin: germline.
Comment: NM_000260.4(MYO7A):c.5074C>T (p.Gln1692*) introduces a premature termination codon predicted to result in loss of normal protein function. Loss-of-function is an established mechanism of disease for this gene. This variant has been observed in affected individuals with related phenotype in a genotype context consistent with recessive disease (PMID: 30337596). This variant has been reported in individuals with related phenotype (PMID: 30337596). The variant is present at low frequency in population datasets. Based on the available data, this variant is classified as pathogenic.

Labcorp Genetics (formerly Invitae), Labcorp
Classification: Pathogenic. Last evaluated: 2024-10-08. Review status: criteria provided, single submitter. Criteria: Invitae Variant Classification Sherloc (09022015). Collection method: clinical testing. Allele origin: germline.
Comment: This sequence change creates a premature translational stop signal (p.Gln1692*) in the MYO7A gene. It is expected to result in an absent or disrupted protein product. Loss-of-function variants in MYO7A are known to be pathogenic (PMID: 8900236, 25404053). This variant is not present in population databases (gnomAD no frequency). This premature translational stop signal has been observed in individual(s) with MYO7A-related conditions (PMID: 30337596). ClinVar contains an entry for this variant (Variation ID: 1455237). For these reasons, this variant has been classified as Pathogenic.

Literature cited by the submitters: PubMed 30337596 (cited by Dasa and Labcorp Genetics (formerly Invitae), Labcorp); PubMed 8900236 (cited by Labcorp Genetics (formerly Invitae), Labcorp); PubMed 25404053 (cited by Labcorp Genetics (formerly Invitae), Labcorp).

NM_000260.4(MYO7A):c.5074C>T (p.Gln1692Ter)

Gene: MYO7A (myosin VIIA; plus strand). Cytogenetic location: 11q13.5.
Variant type: single nucleotide variant.
Coding change: c.5074C>T on transcript NM_000260.4 (MANE Select); coding-DNA position 5074, C replaced by T.
Protein change: p.Gln1692Ter; replaces glutamine 1692 with a stop codon.
Molecular consequence: nonsense.
Genome position (GRCh38, 1-based): chr11:77,202,330, C>T. VCF-style: chr11-77202330-C-T. GRCh37 (hg19) VCF-style: chr11-76913375-C-T.
Other names: c.4960C>T, p.Gln1654Ter (NM_001127180.2); c.4927C>T, p.Gln1643Ter (NM_001369365.1); short protein forms Q1643*, Q1692*, Q1654*.
Identifiers: ClinVar variation 1455237 (VCV001455237.7), dbSNP rs564645548, ClinGen allele CA224852295.